The following is an entry in ClinVar:

NM_006767.4(LZTR1):c.1937A>G (p.Asp646Gly)

Gene: LZTR1 (leucine zipper like post translational regulator 1; plus strand). Cytogenetic location: 22q11.21.
Variant type: single nucleotide variant.
Coding change: c.1937A>G on transcript NM_006767.4 (MANE Select); coding-DNA position 1937, A replaced by G.
Protein change: p.Asp646Gly; replaces aspartic acid 646 with glycine.
Molecular consequence: missense variant.
Genome position (GRCh38, 1-based): chr22:20,995,021, A>G. VCF-style: chr22-20995021-A-G. GRCh37 (hg19) VCF-style: chr22-21349310-A-G.
Other names: short protein forms D646G.
Identifiers: ClinVar variation 3238169 (VCV003238169.2), dbSNP rs2518622689.

ClinVar aggregate classification (germline): Uncertain significance. Review status: criteria provided, multiple submitters, no conflicts (2 of 4 stars). 2 submissions from 2 submitters: Uncertain significance (2). Last evaluated 2025-11-03.

Conditions:
Hereditary cancer-predisposing syndrome. Also called: Neoplastic Syndromes, Hereditary; Tumor predisposition; Hereditary neoplastic syndrome; Hereditary Cancer Syndrome. Identifiers: Orphanet 140162, MedGen C0027672, MeSH D009386, MONDO:0015356.
Cardiovascular phenotype. Identifiers: MedGen CN230736.

Allele frequency attached by ClinVar (database versions not stated): gnomAD exomes below 0.00001.
gnomAD v4.1: 2 of 1,607,796 alleles (0.00012%); highest among the groups gnomAD compares: South Asian, 0.0022%; no homozygotes.

Submissions (2):

Labcorp Genetics (formerly Invitae), Labcorp
Classification: Uncertain significance. Last evaluated: 2025-11-03. Review status: criteria provided, single submitter. Criteria: Invitae Variant Classification Sherloc (09022015). Collection method: clinical testing. Allele origin: germline.
Comment: This sequence change replaces aspartic acid, which is acidic and polar, with glycine, which is neutral and non-polar, at codon 646 of the LZTR1 protein (p.Asp646Gly). This variant is not present in population databases (gnomAD no frequency). This variant has not been reported in the literature in individuals affected with LZTR1-related conditions. ClinVar contains an entry for this variant (Variation ID: 3238169). Invitae Evidence Modeling of protein sequence and biophysical properties (such as structural, functional, and spatial information, amino acid conservation, physicochemical variation, residue mobility, and thermodynamic stability) indicates that this missense variant is not expected to disrupt LZTR1 protein function with a negative predictive value of 80%. In summary, the available evidence is currently insufficient to determine the role of this variant in disease. Therefore, it has been classified as a Variant of Uncertain Significance.

Ambry Genetics
Classification: Uncertain significance for Cardiovascular phenotype; Hereditary cancer-predisposing syndrome. Last evaluated: 2023-07-26. Review status: criteria provided, single submitter. Criteria: Ambry Variant Classification Scheme 2023. Collection method: clinical testing. Allele origin: germline.
Comment: The p.D646G variant (also known as c.1937A>G), located in coding exon 16 of the LZTR1 gene, results from an A to G substitution at nucleotide position 1937. The aspartic acid at codon 646 is replaced by glycine, an amino acid with similar properties. This amino acid position is conserved. In addition, the in silico prediction for this alteration is inconclusive. Since supporting evidence is limited at this time, the clinical significance of this alteration remains unclear.